The following is an entry in ClinVar:

ClinVar aggregate classification (germline): Uncertain significance (1 of 4 stars; one submission).

Conditions:
Exostoses, multiple, type 2 (EXT2). Also called: Hereditary Multiple Osteochondromatosis, Type II; EXOSTOSES, MULTIPLE, TYPE II. Identifiers: Orphanet 321, MedGen C1851413, MONDO:0007586, OMIM 133701.

Submission:

Labcorp Genetics (formerly Invitae), Labcorp
Classification: Uncertain significance for Exostoses, multiple, type 2. Last evaluated: 2024-11-27. Review status: criteria provided, single submitter. Criteria: Invitae Variant Classification Sherloc (09022015). Collection method: clinical testing. Allele origin: germline.
Comment: This sequence change replaces asparagine, which is neutral and polar, with serine, which is neutral and polar, at codon 618 of the EXT2 protein (p.Asn618Ser). This variant is not present in population databases (gnomAD no frequency). This variant has not been reported in the literature in individuals affected with EXT2-related conditions. Invitae Evidence Modeling of protein sequence and biophysical properties (such as structural, functional, and spatial information, amino acid conservation, physicochemical variation, residue mobility, and thermodynamic stability) indicates that this missense variant is not expected to disrupt EXT2 protein function with a negative predictive value of 95%. In summary, the available evidence is currently insufficient to determine the role of this variant in disease. Therefore, it has been classified as a Variant of Uncertain Significance.

NM_207122.2(EXT2):c.1853A>G (p.Asn618Ser)

Gene: EXT2 (exostosin glycosyltransferase 2; plus strand). Cytogenetic location: 11p11.2.
Variant type: single nucleotide variant.
Coding change: c.1853A>G on transcript NM_207122.2 (MANE Select); coding-DNA position 1853, A replaced by G.
Protein change: p.Asn618Ser; replaces asparagine 618 with serine.
Molecular consequence: missense variant.
Genome position (GRCh38, 1-based): chr11:44,234,161, A>G. VCF-style: chr11-44234161-A-G. GRCh37 (hg19) VCF-style: chr11-44255711-A-G.
Other names: c.1952A>G, p.Asn651Ser (NM_000401.3); c.1883A>G, p.Asn628Ser (NM_001178083.3); c.1853A>G, p.Asn618Ser (NM_001389628.1, NM_001389630.1); short protein forms N628S, N618S, N651S.
Identifiers: ClinVar variation 3720802 (VCV003720802.2).